The following is an entry in ClinVar:

NC_000013.10:g.(?_101020706)_(101020848_?)del

Gene: PCCA (propionyl-CoA carboxylase subunit alpha; plus strand). Cytogenetic location: 13q32.3.
Variant type: Deletion.
Identifiers: ClinVar variation 3244141 (VCV003244141.1).

ClinVar aggregate classification (germline): Pathogenic (1 of 4 stars; one submission).

Conditions:
Propionic acidemia (PROP). Also called: GLYCINEMIA, KETOTIC; HYPERGLYCINEMIA WITH KETOACIDOSIS AND LEUKOPENIA; KETOTIC HYPERGLYCINEMIA. Identifiers: Orphanet 35, MedGen C0268579, MONDO:0011628, OMIM 606054, HP:0003571.

Submission:

Labcorp Genetics (formerly Invitae), Labcorp
Classification: Pathogenic for Propionic acidemia. Last evaluated: 2023-05-22. Review status: criteria provided, single submitter. Criteria: Invitae Variant Classification Sherloc (09022015). Collection method: clinical testing. Allele origin: unknown.
Comment: For these reasons, this variant has been classified as Pathogenic. This variant has not been reported in the literature in individuals affected with PCCA-related conditions. This variant is a gross deletion of the genomic region encompassing exon(s) 19 of the PCCA gene. This deletion is out-of-frame, and is expected to create a premature termination codon and result in an absent or disrupted protein product. Loss-of-function variants in PCCA are known to be pathogenic (PMID: 15464417).

Literature cited by the submitters: PubMed 15464417.